The following is an entry in ClinVar:

NM_004855.5(PIGB):c.840dup (p.Gly281fs)

Gene: PIGB (phosphatidylinositol glycan anchor biosynthesis class B; plus strand). Cytogenetic location: 15q21.3.
Variant type: Duplication.
Coding change: c.840dup on transcript NM_004855.5 (MANE Select); coding-DNA position 840, one base duplicated (T; older notation c.840dupT).
Protein change: p.Gly281fs; shifts the reading frame from glycine 281.
Molecular consequence: frameshift variant.
Genome position (GRCh38, 1-based): chr15:55,339,312, T duplicated; the last of 8 consecutive T bases (chr15:55,339,305-55,339,312); duplicating any one gives the same sequence. VCF-style (leftmost placement, unchanged base first): chr15-55339304-A-AT. GRCh37 (hg19) VCF-style: chr15-55631502-A-AT.
Other names: short protein forms G281fs.
Identifiers: ClinVar variation 1896849 (VCV001896849.5), dbSNP rs756552559, ClinGen allele CA7573934.

ClinVar aggregate classification (germline): Pathogenic (1 of 4 stars; one submission).

Submission:

Labcorp Genetics (formerly Invitae), Labcorp
Classification: Pathogenic. Last evaluated: 2024-10-24. Review status: criteria provided, single submitter. Criteria: Invitae Variant Classification Sherloc (09022015). Collection method: clinical testing. Allele origin: germline.
Comment: This sequence change creates a premature translational stop signal (p.Gly281Trpfs*9) in the PIGB gene. It is expected to result in an absent or disrupted protein product. Loss-of-function variants in PIGB are known to be pathogenic (PMID: 31256876, 34400385). The frequency data for this variant in the population databases is considered unreliable, as metrics indicate poor data quality at this position in the gnomAD database. This variant has not been reported in the literature in individuals affected with PIGB-related conditions. ClinVar contains an entry for this variant (Variation ID: 1896849). For these reasons, this variant has been classified as Pathogenic.

Literature cited by the submitters: PubMed 31256876; PubMed 34400385.